The following is an entry in ClinVar:

NM_002637.4(PHKA1):c.2379C>A (p.Asp793Glu)

Gene: PHKA1 (phosphorylase kinase regulatory subunit alpha 1; minus strand). Cytogenetic location: Xq13.1.
Variant type: single nucleotide variant.
Coding change: c.2379C>A on transcript NM_002637.4 (MANE Select); coding-DNA position 2379, C replaced by A.
Protein change: p.Asp793Glu; replaces aspartic acid 793 with glutamic acid.
Molecular consequence: missense variant.
Genome position (GRCh38, 1-based): chrX:72,611,175, G>T on the plus strand (C>A on the coding strand, the complement: PHKA1 is on the minus strand). VCF-style: chrX-72611175-G-T. GRCh37 (hg19) VCF-style: chrX-71831025-G-T.
Other names: c.2379C>A, p.Asp793Glu (NM_001122670.2); c.2202C>A, p.Asp734Glu (NM_001172436.2); short protein forms D793E, D734E.
Identifiers: ClinVar variation 2846354 (VCV002846354.3), dbSNP rs2522445668, ClinGen allele CA413590303.

ClinVar aggregate classification (germline): Uncertain significance (1 of 4 stars; one submission).

Conditions:
Glycogen storage disease IXd (GSD9D). Also called: GSD IXd; Muscle Phosphorylase Kinase Deficiency. Identifiers: Orphanet 715, MedGen C1845151, MONDO:0010362, OMIM 300559.

Submission:

Labcorp Genetics (formerly Invitae), Labcorp
Classification: Uncertain significance for Glycogen storage disease IXd. Last evaluated: 2023-04-20. Review status: criteria provided, single submitter. Criteria: Invitae Variant Classification Sherloc (09022015). Collection method: clinical testing. Allele origin: germline.
Comment: In summary, the available evidence is currently insufficient to determine the role of this variant in disease. Therefore, it has been classified as a Variant of Uncertain Significance. Advanced modeling of protein sequence and biophysical properties (such as structural, functional, and spatial information, amino acid conservation, physicochemical variation, residue mobility, and thermodynamic stability) performed at Invitae indicates that this missense variant is not expected to disrupt PHKA1 protein function. This variant has not been reported in the literature in individuals affected with PHKA1-related conditions. This variant is not present in population databases (gnomAD no frequency). This sequence change replaces aspartic acid, which is acidic and polar, with glutamic acid, which is acidic and polar, at codon 793 of the PHKA1 protein (p.Asp793Glu).